The following is an entry in ClinVar:

NM_003327.4(TNFRSF4):c.548C>G (p.Pro183Arg)

Gene: TNFRSF4 (TNF receptor superfamily member 4; minus strand). Cytogenetic location: 1p36.33.
Variant type: single nucleotide variant.
Coding change: c.548C>G on transcript NM_003327.4 (MANE Select); coding-DNA position 548, C replaced by G.
Protein change: p.Pro183Arg; replaces proline 183 with arginine.
Molecular consequence: missense variant.
Genome position (GRCh38, 1-based): chr1:1,212,028, G>C on the plus strand (C>G on the coding strand, the complement: TNFRSF4 is on the minus strand). VCF-style: chr1-1212028-G-C. GRCh37 (hg19) VCF-style: chr1-1147408-G-C.
Other names: c.548C>G, p.Pro183Arg (LRG_1319t1); short protein forms P183R.
Identifiers: ClinVar variation 653577 (VCV000653577.11), dbSNP rs191704944, ClinGen allele CA16729942.

ClinVar aggregate classification (germline): Uncertain significance (1 of 4 stars; one submission).

Conditions:
Combined immunodeficiency due to OX40 deficiency. Also called: Immunodeficiency 16; OX40 DEFICIENCY. Identifiers: Orphanet 431149, MedGen C3810053, MONDO:0014268, OMIM 615593.

Allele frequency attached by ClinVar (database versions not stated): gnomAD 0.00001; TOPMed 0.00001; 1000 Genomes Project 30x 0.00031.
gnomAD v4.1: 9 of 1,610,270 alleles (0.00056%); highest among the groups gnomAD compares: African/African-American, 0.0053%; no homozygotes.

Submission:

Labcorp Genetics (formerly Invitae), Labcorp
Classification: Uncertain significance for Combined immunodeficiency due to OX40 deficiency. Last evaluated: 2022-04-04. Review status: criteria provided, single submitter. Criteria: Invitae Variant Classification Sherloc (09022015). Collection method: clinical testing. Allele origin: germline.
Comment: This sequence change replaces proline, which is neutral and non-polar, with arginine, which is basic and polar, at codon 183 of the TNFRSF4 protein (p.Pro183Arg). This variant is present in population databases (rs191704944, gnomAD 0.004%). This variant has not been reported in the literature in individuals affected with TNFRSF4-related conditions. ClinVar contains an entry for this variant (Variation ID: 653577). Algorithms developed to predict the effect of missense changes on protein structure and function are either unavailable or do not agree on the potential impact of this missense change (SIFT: "Tolerated"; PolyPhen-2: "Possibly Damaging"; Align-GVGD: "Class C0"). In summary, the available evidence is currently insufficient to determine the role of this variant in disease. Therefore, it has been classified as a Variant of Uncertain Significance.